The following is an entry in ClinVar:

ClinVar aggregate classification (germline): Uncertain significance (1 of 4 stars; one submission).

Submission:

GeneDx
Classification: Uncertain significance. Last evaluated: 2025-01-08. Review status: criteria provided, single submitter. Criteria: GeneDx Variant Classification Process June 2021. Collection method: clinical testing. Allele origin: germline. Affected: yes.
Comment: In-frame deletion of 1 amino acid in a non-repeat region; In silico analysis indicates that this variant does not alter protein structure/function; Has not been previously published as pathogenic or benign to our knowledge

NM_001287491.2(TET3):c.3515AGA[3] (p.Lys1175del)

Gene: TET3 (tet methylcytosine dioxygenase 3; plus strand). Cytogenetic location: 2p13.1.
Variant type: Microsatellite.
Coding change: c.3515AGA[3] on transcript NM_001287491.2 (MANE Select); three copies in a row of the 3-base unit AGA starting at c.3515; the reference has four copies in a row; one copy, 3 bases deleted.
Protein change: p.Lys1175del; deletes lysine 1175.
Molecular consequence: inframe deletion.
Genome position (GRCh38, 1-based): chr2:74,099,532-74,099,534, AGA deleted; deleting any 3 consecutive bases within chr2:74,099,523-74,099,534 gives the same sequence; the position shown is the placement nearest the transcript's 3' end. VCF-style (leftmost placement, unchanged base first): chr2-74099522-GAGA-G. GRCh37 (hg19) VCF-style: chr2-74326649-GAGA-G.
Other names: c.3236AGA[3], p.Lys1082del (NM_001366022.1); short protein forms K1082del, K1175del.
Identifiers: ClinVar variation 4056869 (VCV004056869.1).
Genomic context (GRCh38, chr2:74,099,522, plus strand): 5'-CTGCCCGAGCCTGCCAAGTCCTGCCGCCAGCGGCAGCTGGAAGCCAGAAAGGCAGCAGCC[GAGA>G]AGAAGAAGATTCAGAAGGAGAAGCTGAGCACTCCGGAGAAGATCAAGCAGGAGGCCCTGG-3'